The following is an entry in ClinVar:

ClinVar aggregate classification (germline): Benign. Review status: criteria provided, multiple submitters, no conflicts (2 of 4 stars). 6 submissions from 6 submitters: Benign (6). Last evaluated 2026-01-12.

Conditions:
Multiple cutaneous and mucosal venous malformations (VMCM). Also called: TEK-Related Multiple Cutaneous and Mucosal Venous Malformations (VMCM). Identifiers: Orphanet 2451, MedGen C1838437, MONDO:0010842, OMIM 600195.

Allele frequency attached by ClinVar (database versions not stated): gnomAD exomes 0.00616 and 0.01871; TOPMed 0.01752; 1000 Genomes Project 0.03514; ESP Exome Variant Server 0.00646; gnomAD 0.01477 and 0.01365; ExAC 0.01716; 1000 Genomes Project 30x 0.03373.
gnomAD v4.1: 11,415 of 1,613,656 alleles (0.71%); highest among the groups gnomAD compares: East Asian, 9.7%; 346 homozygotes.

Submissions (6):

Labcorp Genetics (formerly Invitae), Labcorp
Classification: Benign. Last evaluated: 2026-01-12. Review status: criteria provided, single submitter. Criteria: Invitae Variant Classification Sherloc (09022015). Collection method: clinical testing. Allele origin: germline.

ARUP Laboratories, Molecular Genetics and Genomics, ARUP Laboratories
Classification: Benign. Last evaluated: 2025-06-18. Review status: criteria provided, single submitter. Criteria: ARUP Molecular Germline Variant Investigation Process 2024. Collection method: clinical testing. Allele origin: germline.

Mayo Clinic Laboratories, Mayo Clinic
Classification: Benign. Last evaluated: 2023-02-23. Review status: criteria provided, single submitter. Criteria: ACMG Guidelines, 2015. Collection method: clinical testing. Allele origin: germline. Observed: 28 variant alleles.
Comment: BA1, BP4

GeneDx
Classification: Benign. Last evaluated: 2020-05-08. Review status: criteria provided, single submitter. Criteria: GeneDx Variant Classification Process June 2021. Collection method: clinical testing. Allele origin: germline. Affected: yes.
Comment: This variant is associated with the following publications: (PMID: 28620713)

Illumina Laboratory Services, Illumina
Classification: Benign for Multiple cutaneous and mucosal venous malformations. Last evaluated: 2018-01-13. Review status: criteria provided, single submitter. Criteria: ICSL Variant Classification Criteria 13 December 2019. Collection method: clinical testing. Allele origin: germline.
Comment: This variant was observed in the ICSL laboratory as part of a predisposition screen in an ostensibly healthy population. It had not been previously curated by ICSL or reported in the Human Gene Mutation Database (HGMD: prior to June 1st, 2018), and was therefore a candidate for classification through an automated scoring system. Utilizing variant allele frequency, disease prevalence and penetrance estimates, and inheritance mode, an automated score was calculated to assess if this variant is too frequent to cause the disease. Based on the score and internal cut-off values, a variant classified as benign is not then subjected to further curation. The score for this variant resulted in a classification of benign for this disease.

Breakthrough Genomics
Classification: Benign. Review status: criteria provided, single submitter. Criteria: ACMG Guidelines, 2015. Collection method: not provided. Allele origin: germline. Inheritance: Autosomal dominant inheritance. Affected: yes.

NM_000459.5(TEK):c.443T>C (p.Ile148Thr)

Gene: TEK (TEK receptor tyrosine kinase; plus strand). Cytogenetic location: 9p21.2.
Variant type: single nucleotide variant.
Coding change: c.443T>C on transcript NM_000459.5 (MANE Select); coding-DNA position 443, T replaced by C.
Protein change: p.Ile148Thr; replaces isoleucine 148 with threonine.
Molecular consequence: missense variant.
Genome position (GRCh38, 1-based): chr9:27,168,573, T>C. VCF-style: chr9-27168573-T-C. GRCh37 (hg19) VCF-style: chr9-27168571-T-C.
Other names: c.443T>C, p.Ile148Thr (NM_001290077.2, NM_001375475.1, NM_001375476.1); c.131T>C, p.Ile44Thr (NM_001290078.2); short protein forms I148T, I44T.
Identifiers: ClinVar variation 366395 (VCV000366395.27), dbSNP rs35969327, ClinGen allele CA5015918.